The following is an entry in ClinVar:

ClinVar aggregate classification (germline): Likely benign. Review status: criteria provided, single submitter (1 of 4 stars). 2 submissions from 2 submitters: Likely benign (1). 1 of the submissions does not count toward it. Last evaluated 2024-11-24.

Conditions:
FGF3-related disorder. Also called: FGF3-related condition.

Allele frequency attached by ClinVar (database versions not stated): TOPMed 0.00001; gnomAD 0.00003; gnomAD exomes 0.00005; ExAC 0.00018.
gnomAD v4.1: 69 of 1,562,816 alleles (0.0044%); highest among the groups gnomAD compares: South Asian, 0.022%; no homozygotes.

Submissions (2):

Labcorp Genetics (formerly Invitae), Labcorp
Classification: Likely benign. Last evaluated: 2024-11-24. Review status: criteria provided, single submitter. Criteria: Invitae Variant Classification Sherloc (09022015). Collection method: clinical testing. Allele origin: germline.

PreventionGenetics, part of Exact Sciences
Classification: Likely benign for FGF3-related condition. Last evaluated: 2019-11-26. Review status: no assertion criteria provided. Collection method: clinical testing. Allele origin: germline. Not counted in ClinVar's aggregate classification.
Comment: This variant is classified as likely benign based on ACMG/AMP sequence variant interpretation guidelines (Richards et al. 2015 PMID: 25741868, with internal and published modifications).

NM_005247.4(FGF3):c.651G>A (p.Pro217=)

Gene: FGF3 (fibroblast growth factor 3; minus strand). Cytogenetic location: 11q13.3.
Variant type: single nucleotide variant.
Coding change: c.651G>A on transcript NM_005247.4 (MANE Select); coding-DNA position 651, G replaced by A.
Protein change: p.Pro217=; no amino-acid change (proline 217 retained).
Molecular consequence: synonymous variant.
Genome position (GRCh38, 1-based): chr11:69,810,374, C>T on the plus strand (G>A on the coding strand, the complement: FGF3 is on the minus strand). VCF-style: chr11-69810374-C-T. GRCh37 (hg19) VCF-style: chr11-69625142-C-T.
Identifiers: ClinVar variation 3048764 (VCV003048764.4), dbSNP rs782301421, ClinGen allele CA6157013.